The following is an entry in ClinVar:

ClinVar aggregate classification (germline): Uncertain significance (1 of 4 stars; one submission).

Submission:

Labcorp Genetics (formerly Invitae), Labcorp
Classification: Uncertain significance. Last evaluated: 2022-09-02. Review status: criteria provided, single submitter. Criteria: Invitae Variant Classification Sherloc (09022015). Collection method: clinical testing. Allele origin: germline.
Comment: In summary, the available evidence is currently insufficient to determine the role of this variant in disease. Therefore, it has been classified as a Variant of Uncertain Significance. This variant has not been reported in the literature in individuals affected with THBD-related conditions. This variant is present in population databases (rs774810038, gnomAD 0.0009%). This sequence change affects codon 447 of the THBD mRNA. It is a 'silent' change, meaning that it does not change the encoded amino acid sequence of the THBD protein.

NM_000361.3(THBD):c.1341C>T (p.Asn447=)

Gene: THBD (thrombomodulin; minus strand). Cytogenetic location: 20p11.21.
Variant type: single nucleotide variant.
Coding change: c.1341C>T on transcript NM_000361.3 (MANE Select); coding-DNA position 1341, C replaced by T.
Protein change: p.Asn447=; no amino-acid change (asparagine 447 retained).
Molecular consequence: synonymous variant.
Genome position (GRCh38, 1-based): chr20:23,048,164, G>A on the plus strand (C>T on the coding strand, the complement: THBD is on the minus strand). VCF-style: chr20-23048164-G-A. GRCh37 (hg19) VCF-style: chr20-23028801-G-A.
Identifiers: ClinVar variation 2028583 (VCV002028583.4), dbSNP rs774810038, ClinGen allele CA9787581.